The following is an entry in ClinVar:

ClinVar aggregate classification (germline): Pathogenic (1 of 4 stars; one submission).

Conditions:
Marfan syndrome (MFS). Also called: MARFAN SYNDROME, TYPE I; Marfan syndrome type 1; Marfan's syndrome; FBN1-Related Marfan Syndrome; Marfan syndrome, classic. Identifiers: Orphanet 284963, Orphanet 558, MedGen C0024796, MONDO:0007947, OMIM 154700.

Submission:

Clinical Genetics Laboratory, Skane University Hospital Lund
Classification: Pathogenic for Marfan syndrome. Last evaluated: 2025-09-29. Review status: criteria provided, single submitter. Criteria: ACMG Guidelines, 2015. Collection method: clinical testing. Allele origin: germline. Affected: yes.
Comment: PVS1, PM2_supporting, PP1_strong, PP4

NM_000138.5(FBN1):c.462T>A (p.Cys154Ter)

Gene: FBN1 (fibrillin 1; minus strand). Cytogenetic location: 15q21.1.
Variant type: single nucleotide variant.
Coding change: c.462T>A on transcript NM_000138.5 (MANE Select); coding-DNA position 462, T replaced by A.
Protein change: p.Cys154Ter; replaces cysteine 154 with a stop codon.
Molecular consequence: nonsense.
Genome position (GRCh38, 1-based): chr15:48,596,359, A>T on the plus strand (T>A on the coding strand, the complement: FBN1 is on the minus strand). VCF-style: chr15-48596359-A-T. GRCh37 (hg19) VCF-style: chr15-48888556-A-T.
Other names: c.462T>A, p.Cys154Ter (NM_001406716.1, NM_001406717.1); short protein forms C154*.
Identifiers: ClinVar variation 4087750 (VCV004087750.1).